The following is an entry in ClinVar:

ClinVar aggregate classification (germline): Pathogenic (1 of 4 stars; one submission).

Submission:

Labcorp Genetics (formerly Invitae), Labcorp
Classification: Pathogenic. Last evaluated: 2022-09-19. Review status: criteria provided, single submitter. Criteria: Invitae Variant Classification Sherloc (09022015). Collection method: clinical testing. Allele origin: germline.
Comment: For these reasons, this variant has been classified as Pathogenic. This sequence change creates a premature translational stop signal (p.Ser1943Glyfs*26) in the HTT gene. It is expected to result in an absent or disrupted protein product. Loss-of-function variants in HTT are known to be pathogenic (PMID: 7550343, 7618107, 7774020, 27329733). This variant is not present in population databases (gnomAD no frequency). This variant has not been reported in the literature in individuals affected with HTT-related conditions. ClinVar contains an entry for this variant (Variation ID: 1494729).

Literature cited by the submitters: PubMed 7550343; PubMed 7618107; PubMed 7774020; PubMed 27329733.

NM_001388492.1(HTT):c.5821_5833del (p.Ser1941fs)

Gene: HTT (huntingtin; plus strand). Cytogenetic location: 4p16.3.
Variant type: Deletion.
Coding change: c.5821_5833del on transcript NM_001388492.1 (MANE Select); coding-DNA positions 5821 to 5833, 13 bases deleted (AGTGCCGTTCATC).
Protein change: p.Ser1941fs; shifts the reading frame from serine 1941.
Molecular consequence: frameshift variant.
Genome position (GRCh38, 1-based): chr4:3,206,598-3,206,610, AGTGCCGTTCATC deleted; deleting any 13 consecutive bases within chr4:3,206,592-3,206,610 gives the same sequence; the c. name uses the placement nearest the transcript's 3' end. VCF-style (leftmost placement, unchanged base first): chr4-3206591-CTTCATCAGTGCCG-C. GRCh37 (hg19) VCF-style: chr4-3208318-CTTCATCAGTGCCG-C.
Other names: c.5827_5839del, p.Ser1943fs (NM_002111.8); short protein forms S1941fs, S1943fs.
Identifiers: ClinVar variation 1494729 (VCV001494729.6), dbSNP rs2110269472, ClinGen allele CA2573137580.
Genomic context (GRCh38, chr4:3,206,591, plus strand): 5'-GCTCATTGTAAATCACATTCAAGATCTGATCAGCCTTTCCCACGAGCCTCCAGTACAGGA[CTTCATCAGTGCCG>C]TTCATCGGAACTCTGCTGCCAGCGGCCTGTTCATCCAGGCAATTCAGTCTCGTTGTGAAA-3'